The following is an entry in ClinVar:

NM_017909.4(RMND1):c.661G>C (p.Gly221Arg)

Gene: RMND1 (required for meiotic nuclear division 1 homolog; minus strand). Cytogenetic location: 6q25.1.
Variant type: single nucleotide variant.
Coding change: c.661G>C on transcript NM_017909.4 (MANE Select); coding-DNA position 661, G replaced by C.
Protein change: p.Gly221Arg; replaces glycine 221 with arginine.
Molecular consequence: missense variant.
Genome position (GRCh38, 1-based): chr6:151,433,183, C>G on the plus strand (G>C on the coding strand, the complement: RMND1 is on the minus strand). VCF-style: chr6-151433183-C-G. GRCh37 (hg19) VCF-style: chr6-151754318-C-G.
Other names: c.151G>C, p.Gly51Arg (NM_001271937.2); short protein forms G221R, G51R.
Identifiers: ClinVar variation 1696897 (VCV001696897.4), dbSNP rs1275538949, ClinGen allele CA366062669.

ClinVar aggregate classification (germline): Uncertain significance. Review status: criteria provided, multiple submitters, no conflicts (2 of 4 stars). 3 submissions from 3 submitters: Uncertain significance (3). Last evaluated 2026-05-21.

Conditions:
Combined oxidative phosphorylation defect type 11. Also called: ENCEPHALONEUROMYOPATHY, INFANTILE, DUE TO MITOCHONDRIAL TRANSLATION DEFECT; Combined oxidative phosphorylation deficiency 11. Identifiers: Orphanet 324535, MedGen C5190991, MONDO:0013969, OMIM 614922.

Allele frequency attached by ClinVar (database versions not stated): gnomAD 0.00003; gnomAD exomes below 0.00001; TOPMed 0.00003.
gnomAD v4.1: 6 of 1,612,196 alleles (0.00037%); highest among the groups gnomAD compares: Admixed American, 0.005%; no homozygotes.

Submissions (3):

Women's Health and Genetics/Laboratory Corporation of America, LabCorp
Classification: Uncertain significance. Last evaluated: 2026-05-21. Review status: criteria provided, single submitter. Criteria: LabCorp Variant Classification Summary - May 2015. Collection method: clinical testing. Allele origin: germline.
Comment: Variant summary: RMND1 c.661G>C (p.Gly221Arg) results in a non-conservative amino acid change in the encoded protein sequence. Algorithms developed to predict the effect of missense changes on protein structure and function are either unavailable or do not agree on the potential impact of this missense change. The variant allele was found at a frequency of 4e-06 in 250504 control chromosomes. The available data on variant occurrences in the general population are insufficient to allow any conclusion about variant significance. To our knowledge, no occurrence of c.661G>C in individuals affected with RMND1-related conditions and no experimental evidence demonstrating its impact on protein function have been reported. ClinVar contains an entry for this variant (Variation ID: 1696897). Based on the evidence outlined above, the variant was classified as uncertain significance.

Fulgent Genetics
Classification: Uncertain significance for Combined oxidative phosphorylation defect type 11. Last evaluated: 2022-04-20. Review status: criteria provided, single submitter. Criteria: ACMG Guidelines, 2015. Collection method: clinical testing. Allele origin: unknown.

GeneDx
Classification: Uncertain significance. Last evaluated: 2022-01-12. Review status: criteria provided, single submitter. Criteria: GeneDx Variant Classification Process June 2021. Collection method: clinical testing. Allele origin: germline. Affected: yes.
Comment: Not observed at significant frequency in large population cohorts (gnomAD); In silico analysis supports that this missense variant does not alter protein structure/function; Has not been previously published as pathogenic or benign to our knowledge